The following is an entry in ClinVar:

ClinVar aggregate classification (germline): Uncertain significance. Review status: criteria provided, multiple submitters, no conflicts (2 of 4 stars). 3 submissions from 3 submitters: Uncertain significance (3). Last evaluated 2025-04-11.

Conditions:
RYR1-related disorder. Also called: RYR1-related condition; RYR1-related disorders. Identifiers: MedGen CN239331.
Malignant hyperthermia, susceptibility to, 1 (MHS1). Also called: Anesthesia related hyperthermia; Malignant hyperpyrexia; Fulminating hyperpyrexia; Pharmacogenic myopathy; RYR1-Related Malignant Hyperthermia Susceptibility; Malignant hyperthermia suceptibility 1. Identifiers: Orphanet 423, MedGen C2930980, MONDO:0007783, OMIM 145600.

gnomAD v4.1: 1 of 1,614,072 alleles (0.000062%); highest among the groups gnomAD compares: African/African-American, 0.0013%; no homozygotes.

Submissions (3):

Labcorp Genetics (formerly Invitae), Labcorp
Classification: Uncertain significance for RYR1-related disorder. Last evaluated: 2025-04-11. Review status: criteria provided, single submitter. Criteria: Invitae Variant Classification Sherloc (09022015). Collection method: clinical testing. Allele origin: germline.
Comment: This sequence change replaces phenylalanine, which is neutral and non-polar, with leucine, which is neutral and non-polar, at codon 4162 of the RYR1 protein (p.Phe4162Leu). This variant is not present in population databases (gnomAD no frequency). This variant has not been reported in the literature in individuals affected with RYR1-related conditions. ClinVar contains an entry for this variant (Variation ID: 3385583). Invitae Evidence Modeling of protein sequence and biophysical properties (such as structural, functional, and spatial information, amino acid conservation, physicochemical variation, residue mobility, and thermodynamic stability) indicates that this missense variant is not expected to disrupt RYR1 protein function with a negative predictive value of 80%. In summary, the available evidence is currently insufficient to determine the role of this variant in disease. Therefore, it has been classified as a Variant of Uncertain Significance.

CeGaT Center for Human Genetics Tuebingen
Classification: Uncertain significance. Last evaluated: 2025-03-01. Review status: criteria provided, single submitter. Criteria: CeGaT Center For Human Genetics Tuebingen Variant Classification Criteria Version 2. Collection method: clinical testing. Allele origin: germline. Affected: yes. Observed: 1 variant allele.
Comment: RYR1: PM2

All of Us Research Program, National Institutes of Health
Classification: Uncertain significance for Malignant hyperthermia, susceptibility to, 1. Last evaluated: 2024-03-05. Review status: criteria provided, single submitter. Criteria: ACMG Guidelines, 2015. Collection method: clinical testing. Allele origin: germline. Inheritance: Autosomal dominant inheritance. Observed: 1 variant allele, 1 heterozygote.
Comment: This study involves interpretation of variants in research participants for the purpose of population health screening. Participant phenotype was not available at the time of variant classification. Additional details can be found in publication PMID: 35346344, PMCID: PMC8962531

NM_000540.3(RYR1):c.12486C>A (p.Phe4162Leu)

Gene: RYR1 (ryanodine receptor 1; plus strand). Cytogenetic location: 19q13.2.
Variant type: single nucleotide variant.
Coding change: c.12486C>A on transcript NM_000540.3 (MANE Select); coding-DNA position 12486, C replaced by A.
Protein change: p.Phe4162Leu; replaces phenylalanine 4162 with leucine.
Molecular consequence: missense variant.
Genome position (GRCh38, 1-based): chr19:38,561,316, C>A. VCF-style: chr19-38561316-C-A. GRCh37 (hg19) VCF-style: chr19-39051956-C-A.
Other names: c.12471C>A, p.Phe4157Leu (NM_001042723.2); short protein forms F4157L, F4162L.
Identifiers: ClinVar variation 3385583 (VCV003385583.9).